The following is an entry in ClinVar:

ClinVar aggregate classification (germline): Uncertain significance (1 of 4 stars; one submission).

Conditions:
Rhabdoid tumor predisposition syndrome 2 (RTPS2). Identifiers: Orphanet 231108, Orphanet 69077, MedGen C2750074, MONDO:0013224, OMIM 613325.

Submission:

Labcorp Genetics (formerly Invitae), Labcorp
Classification: Uncertain significance for Rhabdoid tumor predisposition syndrome 2. Last evaluated: 2019-02-24. Review status: criteria provided, single submitter. Criteria: Invitae Variant Classification Sherloc (09022015). Collection method: clinical testing. Allele origin: germline.
Comment: In summary, the available evidence is currently insufficient to determine the role of this variant in disease. Therefore, it has been classified as a Variant of Uncertain Significance. Algorithms developed to predict the effect of missense changes on protein structure and function (SIFT, PolyPhen-2, Align-GVGD) all suggest that this variant is likely to be disruptive, but these predictions have not been confirmed by published functional studies and their clinical significance is uncertain. This variant has not been reported in the literature in individuals with SMARCA4-related conditions. This variant is not present in population databases (ExAC no frequency). This sequence change replaces lysine with arginine at codon 831 of the SMARCA4 protein (p.Lys831Arg). The lysine residue is highly conserved and there is a small physicochemical difference between lysine and arginine.

NM_003072.5(SMARCA4):c.2492A>G (p.Lys831Arg)

Gene: SMARCA4 (SWI/SNF related BAF chromatin remodeling complex subunit ATPase 4; plus strand). Cytogenetic location: 19p13.2.
Variant type: single nucleotide variant.
Coding change: c.2492A>G on transcript NM_003072.5 (MANE Select); coding-DNA position 2492, A replaced by G.
Protein change: p.Lys831Arg; replaces lysine 831 with arginine.
Molecular consequence: missense variant. On other transcripts: non-coding transcript variant (1).
Genome position (GRCh38, 1-based): chr19:11,019,010, A>G. VCF-style: chr19-11019010-A-G. GRCh37 (hg19) VCF-style: chr19-11129686-A-G.
Other names: c.2492A>G, p.Lys831Arg (NM_001128844.3, NM_001128845.2, NM_001128846.2 and 4 more transcripts); short protein forms K831R.
Identifiers: ClinVar variation 836331 (VCV000836331.9), dbSNP rs2089624620, ClinGen allele CA404053726.